The following is an entry in ClinVar:

NM_003482.4(KMT2D):c.9034C>G (p.Leu3012Val)

Gene: KMT2D (lysine methyltransferase 2D; minus strand). Cytogenetic location: 12q13.12.
Variant type: single nucleotide variant.
Coding change: c.9034C>G on transcript NM_003482.4 (MANE Select); coding-DNA position 9034, C replaced by G.
Protein change: p.Leu3012Val; replaces leucine 3012 with valine.
Molecular consequence: missense variant.
Genome position (GRCh38, 1-based): chr12:49,038,322, G>C on the plus strand (C>G on the coding strand, the complement: KMT2D is on the minus strand). VCF-style: chr12-49038322-G-C. GRCh37 (hg19) VCF-style: chr12-49432105-G-C.
Other names: short protein forms L3012V.
Identifiers: ClinVar variation 2725566 (VCV002725566.3), dbSNP rs752355105, ClinGen allele CA384739881.

ClinVar aggregate classification (germline): Uncertain significance (1 of 4 stars; one submission).

Conditions:
Kabuki syndrome. Also called: NIIKAWA-KUROKI SYNDROME; Kabuki make-up syndrome. Identifiers: Orphanet 2322, MedGen C0796004, MONDO:0016512.

Submission:

Labcorp Genetics (formerly Invitae), Labcorp
Classification: Uncertain significance for Kabuki syndrome. Last evaluated: 2023-07-05. Review status: criteria provided, single submitter. Criteria: Invitae Variant Classification Sherloc (09022015). Collection method: clinical testing. Allele origin: germline.
Comment: This sequence change replaces leucine, which is neutral and non-polar, with valine, which is neutral and non-polar, at codon 3012 of the KMT2D protein (p.Leu3012Val). This variant is not present in population databases (gnomAD no frequency). This variant has not been reported in the literature in individuals affected with KMT2D-related conditions. Advanced modeling of protein sequence and biophysical properties (such as structural, functional, and spatial information, amino acid conservation, physicochemical variation, residue mobility, and thermodynamic stability) performed at Invitae indicates that this missense variant is not expected to disrupt KMT2D protein function. In summary, the available evidence is currently insufficient to determine the role of this variant in disease. Therefore, it has been classified as a Variant of Uncertain Significance.